The following is an entry in ClinVar:

ClinVar aggregate classification (germline): Uncertain significance (1 of 4 stars; one submission).

Submission:

GeneDx
Classification: Uncertain significance. Last evaluated: 2025-04-22. Review status: criteria provided, single submitter. Criteria: GeneDx Variant Classification Process June 2021. Collection method: clinical testing. Allele origin: germline. Affected: yes.
Comment: Not observed at significant frequency in large population cohorts (gnomAD); In silico analysis indicates that this missense variant does not alter protein structure/function; Has not been previously published as pathogenic or benign to our knowledge

NM_004369.4(COL6A3):c.4961G>A (p.Ser1654Asn)

Gene: COL6A3 (collagen type VI alpha 3 chain; minus strand). Cytogenetic location: 2q37.3.
Variant type: single nucleotide variant.
Coding change: c.4961G>A on transcript NM_004369.4 (MANE Select); coding-DNA position 4961, G replaced by A.
Protein change: p.Ser1654Asn; replaces serine 1654 with asparagine.
Molecular consequence: missense variant.
Genome position (GRCh38, 1-based): chr2:237,367,226, C>T on the plus strand (G>A on the coding strand, the complement: COL6A3 is on the minus strand). VCF-style: chr2-237367226-C-T. GRCh37 (hg19) VCF-style: chr2-238275869-C-T.
Other names: c.3140G>A, p.Ser1047Asn (NM_057166.5); c.4343G>A, p.Ser1448Asn (NM_057167.4); short protein forms S1047N, S1448N, S1654N.
Identifiers: ClinVar variation 4527110 (VCV004527110.1).